The following is an entry in ClinVar:

NM_001130823.3(DNMT1):c.3310-133T>C

Gene: DNMT1 (DNA methyltransferase 1; minus strand). Cytogenetic location: 19p13.2.
Variant type: single nucleotide variant.
Coding change: c.3310-133T>C on transcript NM_001130823.3 (MANE Select); 133 bases into the intron before coding-DNA position 3310, T replaced by C.
Molecular consequence: intron variant.
Genome position (GRCh38, 1-based): chr19:10,141,322, A>G on the plus strand (T>C on the coding strand, the complement: DNMT1 is on the minus strand). VCF-style: chr19-10141322-A-G. GRCh37 (hg19) VCF-style: chr19-10251998-A-G.
Other names: c.2947-133T>C (NM_001318731.2); c.3262-133T>C (NM_001379.4, NM_001318730.2).
Identifiers: ClinVar variation 678897 (VCV000678897.2), dbSNP rs148880472, ClinGen allele CA305221523.

ClinVar aggregate classification (germline): Benign. Review status: criteria provided, multiple submitters, no conflicts (2 of 4 stars). 2 submissions from 2 submitters: Benign (2). Last evaluated 2018-06-16.

Allele frequency attached by ClinVar (database versions not stated): gnomAD exomes 0.00178; gnomAD 0.01569 and 0.01675; 1000 Genomes Project 0.01737; TOPMed 0.01768; 1000 Genomes Project 30x 0.01952.
gnomAD v4.1: 3,696 of 848,700 alleles (0.44%); highest among the groups gnomAD compares: African/African-American, 5.4%; 98 homozygotes.

Submissions (2):

GeneDx
Classification: Benign. Last evaluated: 2018-06-16. Review status: criteria provided, single submitter. Criteria: GeneDx Variant Classification (06012015). Collection method: clinical testing. Allele origin: germline. Affected: yes.
Comment: This variant is considered likely benign or benign based on one or more of the following criteria: it is a conservative change, it occurs at a poorly conserved position in the protein, it is predicted to be benign by multiple in silico algorithms, and/or has population frequency not consistent with disease.

Breakthrough Genomics
Classification: Benign. Review status: criteria provided, single submitter. Criteria: ACMG Guidelines, 2015. Collection method: not provided. Allele origin: germline. Inheritance: Autosomal dominant inheritance. Affected: yes.